The following is an entry in ClinVar:

NM_004655.4(AXIN2):c.248A>G (p.His83Arg)

Gene: AXIN2 (axin 2; minus strand). Cytogenetic location: 17q24.1.
Variant type: single nucleotide variant.
Coding change: c.248A>G on transcript NM_004655.4 (MANE Select); coding-DNA position 248, A replaced by G.
Protein change: p.His83Arg; replaces histidine 83 with arginine.
Molecular consequence: missense variant.
Genome position (GRCh38, 1-based): chr17:65,558,373, T>C on the plus strand (A>G on the coding strand, the complement: AXIN2 is on the minus strand). VCF-style: chr17-65558373-T-C. GRCh37 (hg19) VCF-style: chr17-63554491-T-C.
Other names: c.248A>G, p.His83Arg (NM_001363813.1); short protein forms H83R.
Identifiers: ClinVar variation 1920996 (VCV001920996.6), dbSNP rs2044306177, ClinGen allele CA400681817.

ClinVar aggregate classification (germline): Uncertain significance. Review status: criteria provided, multiple submitters, no conflicts (2 of 4 stars). 2 submissions from 2 submitters: Uncertain significance (2). Last evaluated 2025-09-14.

Conditions:
Hereditary cancer-predisposing syndrome. Also called: Hereditary Cancer Syndrome; Hereditary neoplastic syndrome; Neoplastic Syndromes, Hereditary; Tumor predisposition. Identifiers: Orphanet 140162, MedGen C0027672, MeSH D009386, MONDO:0015356.
Oligodontia-cancer predisposition syndrome. Also called: TOOTH AGENESIS-COLORECTAL CANCER SYNDROME. Identifiers: Orphanet 300576, MedGen C1837750, MONDO:0012075, OMIM 608615. Disease mechanism: loss of function.

Submissions (2):

Ambry Genetics
Classification: Uncertain significance for Hereditary cancer-predisposing syndrome. Last evaluated: 2025-09-14. Review status: criteria provided, single submitter. Criteria: Ambry Variant Classification Scheme 2023. Collection method: clinical testing. Allele origin: germline.
Comment: The p.H83R variant (also known as c.248A>G), located in coding exon 1 of the AXIN2 gene, results from an A to G substitution at nucleotide position 248. The histidine at codon 83 is replaced by arginine, an amino acid with highly similar properties. This amino acid position is conserved. In addition, this alteration is predicted to be tolerated by in silico analysis. Based on the available evidence, the clinical significance of this variant remains unclear.

Labcorp Genetics (formerly Invitae), Labcorp
Classification: Uncertain significance for Oligodontia-cancer predisposition syndrome. Last evaluated: 2021-12-17. Review status: criteria provided, single submitter. Criteria: Invitae Variant Classification Sherloc (09022015). Collection method: clinical testing. Allele origin: germline.
Comment: In summary, the available evidence is currently insufficient to determine the role of this variant in disease. Therefore, it has been classified as a Variant of Uncertain Significance. Algorithms developed to predict the effect of missense changes on protein structure and function are either unavailable or do not agree on the potential impact of this missense change (SIFT: "Deleterious"; PolyPhen-2: "Possibly Damaging"; Align-GVGD: "Class C0"). This variant has not been reported in the literature in individuals affected with AXIN2-related conditions. This variant is not present in population databases (gnomAD no frequency). This sequence change replaces histidine, which is basic and polar, with arginine, which is basic and polar, at codon 83 of the AXIN2 protein (p.His83Arg).